The following is an entry in ClinVar:

ClinVar aggregate classification (germline): Uncertain significance (1 of 4 stars; one submission).

Allele frequency attached by ClinVar (database versions not stated): gnomAD 0.00001.
gnomAD v4.1: 1 of 1,614,060 alleles (0.000062%); highest among the groups gnomAD compares: African/African-American, 0.0013%; no homozygotes.

Submission:

Labcorp Genetics (formerly Invitae), Labcorp
Classification: Uncertain significance. Last evaluated: 2022-02-03. Review status: criteria provided, single submitter. Criteria: Invitae Variant Classification Sherloc (09022015). Collection method: clinical testing. Allele origin: germline.
Comment: In summary, the available evidence is currently insufficient to determine the role of this variant in disease. Therefore, it has been classified as a Variant of Uncertain Significance. Algorithms developed to predict the effect of missense changes on protein structure and function (SIFT, PolyPhen-2, Align-GVGD) all suggest that this variant is likely to be disruptive. This variant has not been reported in the literature in individuals affected with C1S-related conditions. This variant is not present in population databases (gnomAD no frequency). This sequence change replaces histidine, which is basic and polar, with tyrosine, which is neutral and polar, at codon 511 of the C1S protein (p.His511Tyr).

NM_001734.5(C1S):c.1531C>T (p.His511Tyr)

Gene: C1S (complement C1s; plus strand). Cytogenetic location: 12p13.31.
Variant type: single nucleotide variant.
Coding change: c.1531C>T on transcript NM_001734.5 (MANE Select); coding-DNA position 1531, C replaced by T.
Protein change: p.His511Tyr; replaces histidine 511 with tyrosine.
Molecular consequence: missense variant.
Genome position (GRCh38, 1-based): chr12:7,070,115, C>T. VCF-style: chr12-7070115-C-T. GRCh37 (hg19) VCF-style: chr12-7177419-C-T.
Other names: c.1030C>T, p.His344Tyr (NM_001346850.2); c.1531C>T, p.His511Tyr (NM_201442.4); short protein forms H511Y, H344Y.
Identifiers: ClinVar variation 1972036 (VCV001972036.5), dbSNP rs1565624758, ClinGen allele CA383704927.